The following is an entry in ClinVar:

NM_001999.4(FBN2):c.5762A>G (p.Asn1921Ser)

Gene: FBN2 (fibrillin 2; minus strand). Cytogenetic location: 5q23.3.
Variant type: single nucleotide variant.
Coding change: c.5762A>G on transcript NM_001999.4 (MANE Select); coding-DNA position 5762, A replaced by G.
Protein change: p.Asn1921Ser; replaces asparagine 1921 with serine.
Molecular consequence: missense variant.
Genome position (GRCh38, 1-based): chr5:128,304,995, T>C on the plus strand (A>G on the coding strand, the complement: FBN2 is on the minus strand). VCF-style: chr5-128304995-T-C. GRCh37 (hg19) VCF-style: chr5-127640687-T-C.
Other names: short protein forms N1921S.
Identifiers: ClinVar variation 519853 (VCV000519853.8), dbSNP rs1160016215, ClinGen allele CA360739877.

ClinVar aggregate classification (germline): Uncertain significance. Review status: criteria provided, multiple submitters, no conflicts (2 of 4 stars). 4 submissions from 4 submitters: Uncertain significance (4). Last evaluated 2025-03-10.

Conditions:
Familial thoracic aortic aneurysm and aortic dissection (TAAD). Also called: Thoracic aortic aneurysms and dissections. Identifiers: Orphanet 91387, MedGen C4707243, MONDO:0019625.
Congenital contractural arachnodactyly (CCA). Also called: BEALS SYNDROME; Beals-Hecht syndrome; Arthrogryposis, distal, type 9. Identifiers: Orphanet 115, MedGen C0220668, MONDO:0007363, OMIM 121050.

Allele frequency attached by ClinVar (database versions not stated): gnomAD 0.00001; gnomAD exomes 0.00001 and 0.00002; TOPMed 0.00001.
gnomAD v4.1: 13 of 1,613,872 alleles (0.00081%); highest among the groups gnomAD compares: Non-Finnish European, 0.00093%; no homozygotes.

Submissions (4):

Labcorp Genetics (formerly Invitae), Labcorp
Classification: Uncertain significance for Congenital contractural arachnodactyly. Last evaluated: 2025-03-10. Review status: criteria provided, single submitter. Criteria: Invitae Variant Classification Sherloc (09022015). Collection method: clinical testing. Allele origin: germline.
Comment: This sequence change replaces asparagine, which is neutral and polar, with serine, which is neutral and polar, at codon 1921 of the FBN2 protein (p.Asn1921Ser). This variant is present in population databases (no rsID available, gnomAD 0.003%). This variant has not been reported in the literature in individuals affected with FBN2-related conditions. ClinVar contains an entry for this variant (Variation ID: 519853). Invitae Evidence Modeling of protein sequence and biophysical properties (such as structural, functional, and spatial information, amino acid conservation, physicochemical variation, residue mobility, and thermodynamic stability) indicates that this missense variant is not expected to disrupt FBN2 protein function with a negative predictive value of 80%. In summary, the available evidence is currently insufficient to determine the role of this variant in disease. Therefore, it has been classified as a Variant of Uncertain Significance.

GeneDx
Classification: Uncertain significance. Last evaluated: 2023-10-05. Review status: criteria provided, single submitter. Criteria: GeneDx Variant Classification Process June 2021. Collection method: clinical testing. Allele origin: germline. Affected: yes.
Comment: Has not been previously published as pathogenic or benign to our knowledge; Not observed at significant frequency in large population cohorts (gnomAD); In silico analysis supports that this missense variant does not alter protein structure/function; Although located in a calcium-binding EGF-like domain of the FBN2 gene, it does not affect a cysteine residue within this domain; cysteine substitutions in the calcium-binding EGF-like domains represent the majority of pathogenic missense changes associated with FBN2-related disorders (Frdric et al., 2009); This variant is associated with the following publications: (PMID: 19006240, 18767143)

Clinical Genetics Laboratory, Skane University Hospital Lund
Classification: Uncertain significance. Last evaluated: 2023-04-04. Review status: criteria provided, single submitter. Criteria: ACMG Guidelines, 2015. Collection method: clinical testing. Allele origin: germline. Affected: yes.

Ambry Genetics
Classification: Uncertain significance for Familial thoracic aortic aneurysm and aortic dissection. Last evaluated: 2017-05-02. Review status: criteria provided, single submitter. Criteria: Ambry Variant Classification Scheme 2023. Collection method: clinical testing. Allele origin: germline.
Comment: The p.N1921S variant (also known as c.5762A>G), located in coding exon 45 of the FBN2 gene, results from an A to G substitution at nucleotide position 5762. The asparagine at codon 1921 is replaced by serine, an amino acid with highly similar properties. This amino acid position is well conserved in available vertebrate species; however, serine is the reference amino acid in other vertebrate species. In addition, this alteration is predicted to be tolerated by in silico analysis. Since supporting evidence is limited at this time, the clinical significance of this alteration remains unclear.